The following is an entry in ClinVar:

NM_001317778.2(SFTPC):c.325-1G>A

Gene: SFTPC (surfactant protein C; plus strand). Cytogenetic location: 8p21.3.
Variant type: single nucleotide variant.
Coding change: c.325-1G>A on transcript NM_001317778.2 (MANE Select); the canonical splice acceptor site of the intron before coding-DNA position 325, G replaced by A.
Molecular consequence: splice acceptor variant.
Genome position (GRCh38, 1-based): chr8:22,163,435, G>A. VCF-style: chr8-22163435-G-A. GRCh37 (hg19) VCF-style: chr8-22020948-G-A.
Other names: c.325-1G>A (NM_001385655.1, NM_001385654.1, NM_001385656.1 and 8 more transcripts); c.166-1G>A (NM_001385660.1, NM_001317779.2).
Identifiers: ClinVar variation 2735139 (VCV002735139.3), dbSNP rs2538945160, ClinGen allele CA370537568.

ClinVar aggregate classification (germline): Pathogenic (1 of 4 stars; one submission).

Submission:

Labcorp Genetics (formerly Invitae), Labcorp
Classification: Pathogenic. Last evaluated: 2023-05-02. Review status: criteria provided, single submitter. Criteria: Invitae Variant Classification Sherloc (09022015). Collection method: clinical testing. Allele origin: germline.
Comment: Disruption of this splice site has been observed in individual(s) with SFTPC-related conditions (PMID: 18383112, 19443464; Invitae). In at least one individual the variant was observed to be de novo. For these reasons, this variant has been classified as Pathogenic. Algorithms developed to predict the effect of sequence changes on RNA splicing suggest that this variant may disrupt the consensus splice site. This variant is also known as c.350-1G>A. This variant is not present in population databases (gnomAD no frequency). This sequence change affects an acceptor splice site in intron 3 of the SFTPC gene. It is expected to disrupt RNA splicing. Variants that disrupt the donor or acceptor splice site typically lead to a loss of protein function (PMID: 16199547), however the current clinical and genetic evidence is not sufficient to establish whether loss-of-function variants in SFTPC cause disease.

Literature cited by the submitters: PubMed 18383112; PubMed 19443464; PubMed 16199547.